The following is an entry in ClinVar:

ClinVar aggregate classification (germline): Uncertain significance (1 of 4 stars; one submission).

Submission:

Labcorp Genetics (formerly Invitae), Labcorp
Classification: Uncertain significance. Last evaluated: 2024-07-22. Review status: criteria provided, single submitter. Criteria: Invitae Variant Classification Sherloc (09022015). Collection method: clinical testing. Allele origin: germline.
Comment: This variant, c.1406_1408del, results in the deletion of 1 amino acid(s) of the RFWD3 protein (p.Pro469del), but otherwise preserves the integrity of the reading frame. This variant is present in population databases (rs142800777, gnomAD 0.03%). This variant has not been reported in the literature in individuals affected with RFWD3-related conditions. Experimental studies and prediction algorithms are not available or were not evaluated, and the functional significance of this variant is currently unknown. In summary, the available evidence is currently insufficient to determine the role of this variant in disease. Therefore, it has been classified as a Variant of Uncertain Significance.

NM_018124.4(RFWD3):c.1403CTC[1] (p.Pro469del)

Gene: RFWD3 (ring finger and WD repeat domain 3; minus strand). Cytogenetic location: 16q23.1.
Variant type: Microsatellite.
Coding change: c.1403CTC[1] on transcript NM_018124.4 (MANE Select); one copy of the 3-base unit CTC starting at c.1403; the reference has two copies in a row; one copy, 3 bases deleted.
Protein change: p.Pro469del; deletes proline 469.
Genome position (GRCh38, 1-based): chr16:74,636,364-74,636,366, GAG deleted on the plus strand (CTC on the coding strand, the reverse complement: RFWD3 is on the minus strand); deleting any 3 consecutive bases within chr16:74,636,364-74,636,369 gives the same sequence; the position shown is the placement nearest the transcript's 3' end. VCF-style (leftmost placement, unchanged base first): chr16-74636363-TGAG-T. GRCh37 (hg19) VCF-style: chr16-74670261-TGAG-T.
Other names: c.1403CTC[1], p.Pro469del (NM_001370534.1, NM_001370535.1, NM_001370536.1); c.569CTC[1], p.Pro191del (NM_001370537.1, NM_001370539.1, NM_001370540.1 and 2 more transcripts); short protein forms P469del, P191del.
Identifiers: ClinVar variation 3677699 (VCV003677699.2).